The following is an entry in ClinVar:

NM_002114.4(HIVEP1):c.1878C>T (p.Gly626=)

Gene: HIVEP1 (HIVEP zinc finger 1; plus strand). Cytogenetic location: 6p24.1.
Variant type: single nucleotide variant.
Coding change: c.1878C>T on transcript NM_002114.4 (MANE Select); coding-DNA position 1878, C replaced by T.
Protein change: p.Gly626=; no amino-acid change (glycine 626 retained).
Molecular consequence: synonymous variant.
Genome position (GRCh38, 1-based): chr6:12,121,673, C>T. VCF-style: chr6-12121673-C-T. GRCh37 (hg19) VCF-style: chr6-12121906-C-T.
Other names: NC_000006.11:g.12121906C>T.
Identifiers: ClinVar variation 781862 (VCV000781862.29), dbSNP rs187187140, ClinGen allele CA3637280.

ClinVar aggregate classification (germline): Benign/Likely benign. Review status: criteria provided, multiple submitters, no conflicts (2 of 4 stars). 2 submissions from 2 submitters: Benign (1); Likely benign (1). Last evaluated 2022-09-01.

Allele frequency attached by ClinVar (database versions not stated): gnomAD 0.00243 and 0.00234; TOPMed 0.00296; 1000 Genomes Project 30x 0.00312; 1000 Genomes Project 0.00319; gnomAD exomes 0.00092 and 0.00142; ExAC 0.00124; ESP Exome Variant Server 0.00228.
gnomAD v4.1: 1,787 of 1,614,036 alleles (0.11%); highest among the groups gnomAD compares: African/African-American, 0.57%; 4 homozygotes.

Submissions (3):

CeGaT Center for Human Genetics Tuebingen
Classification: Likely benign. Last evaluated: 2022-09-01. Review status: criteria provided, single submitter. Criteria: CeGaT Center For Human Genetics Tuebingen Variant Classification Criteria Version 2. Collection method: clinical testing. Allele origin: germline. Affected: yes. Observed: 1 variant allele.
Comment: HIVEP1: BP4, BP7

Labcorp Genetics (formerly Invitae), Labcorp
Classification: Benign. Last evaluated: 2019-12-31. Review status: criteria provided, single submitter. Criteria: Invitae Variant Classification Sherloc (09022015). Collection method: clinical testing. Allele origin: germline.

Dr. Peter K. Rogan Lab, Western University
No classification provided (evidence only). Condition: Sarcoma. Review status: no classification provided. Collection method: in vitro. Allele origin: not applicable. Functional consequence: retained intron. Not counted in ClinVar's aggregate classification.